The following is an entry in ClinVar:

NR_023317.1(RNU7-1):n.30A>G

Genes: C12orf57 (chromosome 12 open reading frame 57; plus strand), RNU7-1 (RNA, U7 small nuclear 1; plus strand). Cytogenetic location: 12p13.31.
Variant type: single nucleotide variant.
Molecular consequence: non-coding transcript variant (on NR_023317.1). On other transcripts: intron variant (2).
Genome position: GRCh38 VCF-style: chr12-6943845-A-G. GRCh37 (hg19) VCF-style: chr12-7053008-A-G.
Other names: c.13+183A>G (NM_001301836.2); c.-16+183A>G (NM_001301834.1).
Identifiers: ClinVar variation 1328524 (VCV001328524.7), dbSNP rs781842057, ClinGen allele CA232435249.
Genomic context (GRCh38, chr12:6,943,845, plus strand): 5'-TATCCCATCTTCTCTCCAAACACATACGCAGCAGTGTTACAGCTCTTTTAGAATTTGTCT[A>G]GTAGGCTTTCTGGCTTTTTACCGGAAAGCCCCTCTTATGATGTTTGTTGCCAATGATAGA-3'

ClinVar aggregate classification (germline): Likely pathogenic. Review status: criteria provided, multiple submitters, no conflicts (2 of 4 stars). 2 submissions from 2 submitters: Likely pathogenic (2). Last evaluated 2024-09-11.

Conditions:
Aicardi-Goutieres syndrome 9. Identifiers: MedGen C5561966, MONDO:0030362, OMIM 619487.

gnomAD v4.1: 61 of 893,894 alleles (0.0068%); highest among the groups gnomAD compares: Middle Eastern, 0.073%; no homozygotes.

Submissions (2):

3billion
Classification: Likely pathogenic for Aicardi-Goutieres syndrome 9. Last evaluated: 2024-09-11. Review status: criteria provided, single submitter. Criteria: ACMG Guidelines, 2015. Collection method: clinical testing. Allele origin: germline. Affected: yes.
Comment: The variant is observed at an extremely low frequency in the gnomAD v4.0.0 dataset (total allele frequency: 0.007%). Predicted Consequence/Location: non_coding_transcript_exon_variant Functional studies provide moderate evidence of the variant having a damaging effect on the gene or gene product (PMID: 16547514). The variant is in trans with the other variant. The variant has been reported to be associated with RNU7-1 related disorder (ClinVar ID: VCV001328524 /PMID: 33230297). Therefore, this variant is classified as Likely pathogenic according to the recommendation of ACMG/AMP guideline.

Illumina Laboratory Services, Illumina
Classification: Likely pathogenic for Aicardi-Goutieres syndrome 9. Last evaluated: 2021-05-26. Review status: criteria provided, single submitter. Criteria: ICSLVariantClassificationCriteria RUGD 01 April 2020. Collection method: clinical testing. Allele origin: unknown.
Comment: The n.30A>G variant is reported at a frequency of 0.000065 in the European Non-Finnish population of the Genome Aggregation Database (version 2.1.1), an allele frequency consistent with a rare autosomal recessive disorder. The n.30A>G variant is located within the noncanonical Sm-binding site of U7 snRNA, a region which determines the assembly of the U7snRNP (Stefanovic et al. 1995). Using a chimeric mouse histone H4 pre-mRNA-U7 snRNA construct, in a xenopus oocyte in vitro system, Kolev et al. showed that substitution of alternative nucleotides at n.30A abolished pre-mRNA processing (Kolev et al. 2006). Based the evidence, the n.30A>G variant is classified as likely pathogenic for Aicardi-Goutieres syndrome.

Literature cited by the submitters: PubMed 33230297 (cited by 3billion and Illumina Laboratory Services, Illumina); PubMed 16547514 (cited by 3billion and Illumina Laboratory Services, Illumina); PubMed 7667090 (cited by Illumina Laboratory Services, Illumina).